The following is an entry in ClinVar:

NM_000143.4(FH):c.1118A>G (p.Asn373Ser)

Gene: FH (fumarate hydratase; minus strand). Cytogenetic location: 1q43.
Variant type: single nucleotide variant.
Coding change: c.1118A>G on transcript NM_000143.4 (MANE Select); coding-DNA position 1118, A replaced by G.
Protein change: p.Asn373Ser; replaces asparagine 373 with serine.
Molecular consequence: missense variant.
Genome position (GRCh38, 1-based): chr1:241,502,561, T>C on the plus strand (A>G on the coding strand, the complement: FH is on the minus strand). VCF-style: chr1-241502561-T-C. GRCh37 (hg19) VCF-style: chr1-241665861-T-C.
Other names: short protein forms N373S.
Identifiers: ClinVar variation 393578 (VCV000393578.16), dbSNP rs1060499643, ClinGen allele CA16609362.

ClinVar aggregate classification (germline): Pathogenic. Review status: criteria provided, multiple submitters, no conflicts (2 of 4 stars). 6 submissions from 6 submitters: Pathogenic (6). Last evaluated 2026-06-30.

Conditions:
Hereditary cancer-predisposing syndrome. Also called: Neoplastic Syndromes, Hereditary; Hereditary Cancer Syndrome; Hereditary neoplastic syndrome; Tumor predisposition. Identifiers: Orphanet 140162, MedGen C0027672, MeSH D009386, MONDO:0015356.
Hereditary leiomyomatosis and renal cell cancer. Also called: LEIOMYOMA, MULTIPLE CUTANEOUS; MULTIPLE CUTANEOUS AND UTERINE LEIOMYOMATA 1, WITH OR WITHOUT RENAL CELL CARCINOMA; Reed syndrome; Multiple cutaneous and uterine leiomyomatosis; Cutaneous leiomyomata with uterine leiomyomata; Leiomyoma, hereditary multiple, of skin. Identifiers: Orphanet 523, MedGen C1708350, MONDO:0007888, OMIM 150800, HP:0007437. Disease mechanism: loss of function.

Submissions (6):

Myriad Genetics, Inc.
Classification: Pathogenic for Hereditary leiomyomatosis and renal cell cancer. Last evaluated: 2026-06-30. Review status: criteria provided, single submitter. Criteria: Myriad Autosomal Dominant, Autosomal Recessive and X-Linked Classification Criteria (2023). Collection method: clinical testing. Allele origin: unknown.
Comment: This variant is considered pathogenic. Functional studies indicate this variant impacts protein function [PMID: 21398687]. This variant is expected to disrupt protein structure [Myriad internal data]. This variant has been reported in multiple individuals with clinical features of gene-specific disease [PMID: 33167498, 33442023, 17270241, 38002934].

Molecular Diagnostics Laboratory, Catalan Institute of Oncology
Classification: Pathogenic for Hereditary cancer-predisposing syndrome. Last evaluated: 2025-07-07. Review status: criteria provided, single submitter. Criteria: ACMG Guidelines, 2015. Collection method: clinical testing. Allele origin: germline.
Comment: PS4_VeryStrong, PM2_Supporting, PP1_Strong, PP3_Moderate c.1118A>G, located in exon 8 of the FH gene, is predicted to result in the substitution of an asparagine with serine at codon 373, p.(Asn373Ser).It is not present in the population database gnomAD v2.1.1, non-cancer dataset (PM2_Supporting). The SpliceAI algorithm predicts no significant impact on splicing. The REVEL meta-predictor score for this variant (0.886) suggests a deleterious effect on protein function according to Pejaver 2022 thresholds (PMID: 36413997) (PP3_Moderate). This variant has been identified in more than a hundred Spanish individuals from more than 30 families affected with renal cell cancer and/or leiomyomatosis (internal data and PMID: 33167498) (PS4_VeryStrong). The variant co-segregates in affected individuals (7 meioses in 3 families) (internal data and data from David Romero Perez 2016, H. General Universitari Alacant) (PP1_Strong). In addition, it has been identified in the following databases: ClinVar (2x pathogenic, 1x uncertain significance), LOVD (1x as pathogenic, 1x as uncertain significance). Based on the currently available information, c.1118A>G is classified as a pathogenic variant according to ACMG guidelines.

Labcorp Genetics (formerly Invitae), Labcorp
Classification: Pathogenic. Last evaluated: 2025-06-23. Review status: criteria provided, single submitter. Criteria: Invitae Variant Classification Sherloc (09022015). Collection method: clinical testing. Allele origin: germline.
Comment: This sequence change replaces asparagine, which is neutral and polar, with serine, which is neutral and polar, at codon 373 of the FH protein (p.Asn373Ser). This variant is not present in population databases (gnomAD no frequency). This missense change has been observed in individual(s) with hereditary leiomyomatosis and renal cell cancer and/or pheochromocytoma (PMID: 17270241, 33442023, 38279137; internal data). It has also been observed to segregate with disease in related individuals. This variant is also known as N330S. ClinVar contains an entry for this variant (Variation ID: 393578). Invitae Evidence Modeling of protein sequence and biophysical properties (such as structural, functional, and spatial information, amino acid conservation, physicochemical variation, residue mobility, and thermodynamic stability) indicates that this missense variant is expected to disrupt FH protein function with a positive predictive value of 95%. For these reasons, this variant has been classified as Pathogenic.

Ambry Genetics
Classification: Pathogenic for Hereditary cancer-predisposing syndrome. Last evaluated: 2024-05-30. Review status: criteria provided, single submitter. Criteria: Ambry Variant Classification Scheme 2023. Collection method: clinical testing. Allele origin: germline.
Comment: The p.N373S pathogenic mutation (also known as c.1118A>G), located in coding exon 8 of the FH gene, results from an A to G substitution at nucleotide position 1118. The asparagine at codon 373 is replaced by serine, an amino acid with highly similar properties. This variant has been observed in multiple individuals with a personal and/or family history that is consistent with hereditary leiomyomatosis and renal cell cancer, including several probands whose associated tumors demonstrated FH-deficiency by immunohistochemistry (IHC) (Lehtonen HJ et al. Hum Pathol, 2007 May;38:793-6; Gardie B et al. J Med Genet, 2011 Apr;48:226-34; Muller M et al. Clin Genet, 2017 Dec;92:606-615; S&aacute;nchez-Heras AB et al. Cancers (Basel), 2020 Nov;12; Ouedraogo ZG et al. Genes (Basel), 2023 Oct;14; Ambry internal data). This variant has also been noted as a founder mutation in the Spanish population (S&aacute;nchez-Heras AB et al. Orphanet J Rare Dis, 2024 Jan;19:26). This variant is considered to be rare based on population cohorts in the Genome Aggregation Database (gnomAD). This amino acid position is highly conserved in available vertebrate species. In addition, this alteration is predicted to be deleterious by in silico analysis. Based on the supporting evidence, this variant is interpreted as a disease-causing mutation.

Molecular Pathology, Peter Maccallum Cancer Centre
Classification: Pathogenic for Hereditary leiomyomatosis and renal cell cancer. Last evaluated: 2024-05-09. Review status: criteria provided, single submitter. Criteria: ACMG Guidelines, 2015. Collection method: clinical testing. Allele origin: germline. Inheritance: Autosomal dominant inheritance.

Genomic Diagnostic Laboratory, Division of Genomic Diagnostics, Children's Hospital of Philadelphia
Classification: Pathogenic for Hereditary leiomyomatosis and renal cell cancer. Last evaluated: 2017-01-17. Review status: criteria provided, single submitter. Criteria: DGD Variant Analysis Guidelines. Collection method: clinical testing. Allele origin: germline. Affected: yes. Observed: 2 variant alleles.
Comment: Clinical Testing

Literature cited by the submitters: PubMed 21398687 (cited by Myriad Genetics, Inc. and Ambry Genetics); PubMed 33167498 (cited by Myriad Genetics, Inc. and Ambry Genetics); PubMed 33442023 (cited by Myriad Genetics, Inc. and Labcorp Genetics (formerly Invitae), Labcorp); PubMed 17270241 (cited by 3 submitters); PubMed 38002934 (cited by Myriad Genetics, Inc. and Ambry Genetics); PubMed 38279137 (cited by Labcorp Genetics (formerly Invitae), Labcorp and Ambry Genetics); PubMed 28300276 (cited by Ambry Genetics).